The following is an entry in ClinVar:

NM_001042463.3(TMEM80):c.80G>A (p.Gly27Glu)

Genes: DEAF1 (DEAF1 transcription factor; minus strand), TMEM80 (transmembrane protein 80; plus strand). Cytogenetic location: 11p15.5.
Variant type: single nucleotide variant.
Coding change: c.80G>A on transcript NM_001042463.3 (MANE Select); coding-DNA position 80, G replaced by A.
Protein change: p.Gly27Glu; replaces glycine 27 with glutamic acid.
Molecular consequence: missense variant. On other transcripts: intron variant (1).
Genome position (GRCh38, 1-based): chr11:700,182, G>A. VCF-style: chr11-700182-G-A. GRCh37 (hg19) VCF-style: chr11-700182-G-A.
Other names: c.80G>A, p.Gly27Glu (NM_001276253.2, NM_001276274.2); c.131G>A, p.Gly44Glu (NM_001384408.1); c.20G>A, p.Gly7Glu (NM_174940.4); c.-438+6390C>T (NM_001367390.1); short protein forms G27E, G44E, G7E.
Identifiers: ClinVar variation 2641088 (VCV002641088.22), dbSNP rs150628118, ClinGen allele CA5786731.

ClinVar aggregate classification (germline): Likely benign (1 of 4 stars; one submission).

Allele frequency attached by ClinVar (database versions not stated): TOPMed 0.00212; gnomAD 0.00360; ExAC 0.00468; 1000 Genomes Project 30x 0.00203; gnomAD exomes 0.00399; 1000 Genomes Project 0.00200; ESP Exome Variant Server 0.00346.
gnomAD v4.1: 6,306 of 1,614,132 alleles (0.39%); highest among the groups gnomAD compares: Non-Finnish European, 0.4%; 30 homozygotes.

Submission:

CeGaT Center for Human Genetics Tuebingen
Classification: Likely benign. Last evaluated: 2024-11-01. Review status: criteria provided, single submitter. Criteria: CeGaT Center For Human Genetics Tuebingen Variant Classification Criteria Version 2. Collection method: clinical testing. Allele origin: germline. Affected: yes. Observed: 3 variant alleles.
Comment: TMEM80: BS2